The following is an entry in ClinVar:

NM_005186.4(CAPN1):c.554A>G (p.Glu185Gly)

Gene: CAPN1 (calpain 1; plus strand). Cytogenetic location: 11q13.1.
Variant type: single nucleotide variant.
Coding change: c.554A>G on transcript NM_005186.4 (MANE Select); coding-DNA position 554, A replaced by G.
Protein change: p.Glu185Gly; replaces glutamic acid 185 with glycine.
Molecular consequence: missense variant. On other transcripts: non-coding transcript variant (1).
Genome position (GRCh38, 1-based): chr11:65,186,014, A>G. VCF-style: chr11-65186014-A-G. GRCh37 (hg19) VCF-style: chr11-64953485-A-G.
Other names: c.554A>G, p.Glu185Gly (NM_001198868.2, NM_001198869.2); c.392A>G, p.Glu131Gly (NM_001198870.1); short protein forms E131G, E185G.
Identifiers: ClinVar variation 1994555 (VCV001994555.4), dbSNP rs2539260335, ClinGen allele CA381243440.

ClinVar aggregate classification (germline): Uncertain significance (1 of 4 stars; one submission).

Submission:

Labcorp Genetics (formerly Invitae), Labcorp
Classification: Uncertain significance. Last evaluated: 2022-05-23. Review status: criteria provided, single submitter. Criteria: Invitae Variant Classification Sherloc (09022015). Collection method: clinical testing. Allele origin: germline.
Comment: In summary, the available evidence is currently insufficient to determine the role of this variant in disease. Therefore, it has been classified as a Variant of Uncertain Significance. Algorithms developed to predict the effect of missense changes on protein structure and function are either unavailable or do not agree on the potential impact of this missense change (SIFT: "Deleterious"; PolyPhen-2: "Probably Damaging"; Align-GVGD: "Class C0"). This variant has not been reported in the literature in individuals affected with CAPN1-related conditions. This variant is not present in population databases (gnomAD no frequency). This sequence change replaces glutamic acid, which is acidic and polar, with glycine, which is neutral and non-polar, at codon 185 of the CAPN1 protein (p.Glu185Gly).